The following is an entry in ClinVar:

NM_002439.5(MSH3):c.1994C>T (p.Ser665Leu)

Gene: MSH3 (mutS homolog 3; plus strand). Cytogenetic location: 5q14.1.
Variant type: single nucleotide variant.
Coding change: c.1994C>T on transcript NM_002439.5 (MANE Select); coding-DNA position 1994, C replaced by T.
Protein change: p.Ser665Leu; replaces serine 665 with leucine.
Molecular consequence: missense variant.
Genome position (GRCh38, 1-based): chr5:80,768,030, C>T. VCF-style: chr5-80768030-C-T. GRCh37 (hg19) VCF-style: chr5-80063849-C-T.
Other names: c.1994C>T (NM_002439.3); short protein forms S665L.
Identifiers: ClinVar variation 1018208 (VCV001018208.11), dbSNP rs1744152253, ClinGen allele CA360277683.
Genomic context (GRCh38, chr5:80,768,030, plus strand): 5'-TATATCACCTAAAGTCAGAATTTCAAGCAATAATACCTGCTGTTAATTCCCACATTCAGT[C>T]AGACTTGCTCCGGACCGTTATTTTAGAAATTCCTGAACTCCTCAGTCCAGTGGAGCATTA-3'
Protein context (NP_002430.3, residues 655-675): IIPAVNSHIQ[Ser665Leu]DLLRTVILEI

ClinVar aggregate classification (germline): Uncertain significance. Review status: criteria provided, multiple submitters, no conflicts (2 of 4 stars). 2 submissions from 2 submitters: Uncertain significance (2). Last evaluated 2026-07-02.

Conditions:
Hereditary cancer-predisposing syndrome. Also called: Tumor predisposition; Hereditary Cancer Syndrome; Hereditary neoplastic syndrome; Neoplastic Syndromes, Hereditary. Identifiers: Orphanet 140162, MedGen C0027672, MeSH D009386, MONDO:0015356.

Submissions (2):

Ambry Genetics
Classification: Uncertain significance for Hereditary cancer-predisposing syndrome. Last evaluated: 2026-07-02. Review status: criteria provided, single submitter. Criteria: Ambry Variant Classification Scheme 2023. Collection method: clinical testing. Allele origin: germline.
Comment: The p.S665L variant (also known as c.1994C>T), located in coding exon 14 of the MSH3 gene, results from a C to T substitution at nucleotide position 1994. The serine at codon 665 is replaced by leucine, an amino acid with dissimilar properties. This amino acid position is conserved. In addition, the in silico prediction for this alteration is inconclusive. Based on the available evidence, the clinical significance of this variant remains unclear.

Labcorp Genetics (formerly Invitae), Labcorp
Classification: Uncertain significance. Last evaluated: 2022-07-05. Review status: criteria provided, single submitter. Criteria: Invitae Variant Classification Sherloc (09022015). Collection method: clinical testing. Allele origin: germline.
Comment: This sequence change replaces serine, which is neutral and polar, with leucine, which is neutral and non-polar, at codon 665 of the MSH3 protein (p.Ser665Leu). This variant is not present in population databases (gnomAD no frequency). This variant has not been reported in the literature in individuals affected with MSH3-related conditions. ClinVar contains an entry for this variant (Variation ID: 1018208). Algorithms developed to predict the effect of missense changes on protein structure and function are either unavailable or do not agree on the potential impact of this missense change (SIFT: "Deleterious"; PolyPhen-2: "Possibly Damaging"; Align-GVGD: "Class C0"). In summary, the available evidence is currently insufficient to determine the role of this variant in disease. Therefore, it has been classified as a Variant of Uncertain Significance.